The following is an entry in ClinVar:

ClinVar aggregate classification (germline): Uncertain significance (1 of 4 stars; one submission).

Conditions:
Neuronal ceroid lipofuscinosis. Also called: Neuronal Ceroid Lipofuscinoses. Identifiers: Orphanet 216, Orphanet 79263, MedGen C0027877, MONDO:0016295. Disease mechanism: loss of function.

Submission:

Labcorp Genetics (formerly Invitae), Labcorp
Classification: Uncertain significance for Neuronal ceroid lipofuscinosis. Last evaluated: 2025-01-21. Review status: criteria provided, single submitter. Criteria: Invitae Variant Classification Sherloc (09022015). Collection method: clinical testing. Allele origin: germline.
Comment: This sequence change replaces phenylalanine, which is neutral and non-polar, with serine, which is neutral and polar, at codon 166 of the CLN6 protein (p.Phe166Ser). This variant is not present in population databases (gnomAD no frequency). This variant has not been reported in the literature in individuals affected with CLN6-related conditions. ClinVar contains an entry for this variant (Variation ID: 950977). Invitae Evidence Modeling of protein sequence and biophysical properties (such as structural, functional, and spatial information, amino acid conservation, physicochemical variation, residue mobility, and thermodynamic stability) indicates that this missense variant is not expected to disrupt CLN6 protein function with a negative predictive value of 80%. In summary, the available evidence is currently insufficient to determine the role of this variant in disease. Therefore, it has been classified as a Variant of Uncertain Significance.

NM_017882.3(CLN6):c.497T>C (p.Phe166Ser)

Gene: CLN6 (CLN6 transmembrane ER protein; minus strand). Cytogenetic location: 15q23.
Variant type: single nucleotide variant.
Coding change: c.497T>C on transcript NM_017882.3 (MANE Select); coding-DNA position 497, T replaced by C.
Protein change: p.Phe166Ser; replaces phenylalanine 166 with serine.
Molecular consequence: missense variant.
Genome position (GRCh38, 1-based): chr15:68,211,308, A>G on the plus strand (T>C on the coding strand, the complement: CLN6 is on the minus strand). VCF-style: chr15-68211308-A-G. GRCh37 (hg19) VCF-style: chr15-68503646-A-G.
Other names: short protein forms F166S.
Identifiers: ClinVar variation 950977 (VCV000950977.8), dbSNP rs2093204354, ClinGen allele CA392973212.